The following is an entry in ClinVar:

NM_199420.4(POLQ):c.7442T>C (p.Val2481Ala)

Gene: POLQ (DNA polymerase theta; minus strand). Cytogenetic location: 3q13.33.
Variant type: single nucleotide variant.
Coding change: c.7442T>C on transcript NM_199420.4 (MANE Select); coding-DNA position 7442, T replaced by C.
Protein change: p.Val2481Ala; replaces valine 2481 with alanine.
Molecular consequence: missense variant.
Genome position (GRCh38, 1-based): chr3:121,436,223, A>G on the plus strand (T>C on the coding strand, the complement: POLQ is on the minus strand). VCF-style: chr3-121436223-A-G. GRCh37 (hg19) VCF-style: chr3-121155070-A-G.
Other names: short protein forms V2481A.
Identifiers: ClinVar variation 1758939 (VCV001758939.2), dbSNP rs1390673434, ClinGen allele CA354096048.
Genomic context (GRCh38, chr3:121,436,223, plus strand): 5'-GATTTGAAGGTTGAGTGGAAGGTCTCTAATTGCTTCTGAATGTTAACTGTGGCTATTTTG[A>G]CAATATCAGCTGCTGATCCTTGGACTATTGTGTTGATAGCTTGACGCTCAGCCTAGAAAA-3'
Protein context (NP_955452.3, residues 2471-2491): TIVQGSAADI[Val2481Ala]KIATVNIQKQ

ClinVar aggregate classification (germline): Uncertain significance (1 of 4 stars; one submission).

Allele frequency attached by ClinVar (database versions not stated): TOPMed 0.00001.
gnomAD v4.1: 1 of 1,613,866 alleles (0.000062%); highest among the groups gnomAD compares: Non-Finnish European, 0.000085%; no homozygotes.

Submission:

Ambry Genetics
Classification: Uncertain significance. Last evaluated: 2022-04-19. Review status: criteria provided, single submitter. Criteria: Ambry Variant Classification Scheme 2023. Collection method: clinical testing. Allele origin: germline.
Comment: The p.V2481A variant (also known as c.7442T>C), located in coding exon 28 of the POLQ gene, results from a T to C substitution at nucleotide position 7442. The valine at codon 2481 is replaced by alanine, an amino acid with similar properties. This amino acid position is conserved. In addition, this alteration is predicted to be deleterious by in silico analysis. Since supporting evidence is limited at this time, the clinical significance of this alteration remains unclear.